The following is an entry in ClinVar:

NC_000011.10:g.(?_47346197)_(47351515_?)del

Gene: MYBPC3 (myosin binding protein C3; minus strand). Cytogenetic location: 11p11.2.
Variant type: Deletion.
Identifiers: ClinVar variation 833064 (VCV000833064.1).

ClinVar aggregate classification (germline): Uncertain significance (1 of 4 stars; one submission).

Conditions:
Hypertrophic cardiomyopathy. Also called: HYPERTROPHIC MYOCARDIOPATHY. Identifiers: Orphanet 217569, MedGen C0007194, MeSH D002312, MONDO:0005045, HP:0001639.

Submission:

Labcorp Genetics (formerly Invitae), Labcorp
Classification: Uncertain significance for Hypertrophic cardiomyopathy. Last evaluated: 2019-12-15. Review status: criteria provided, single submitter. Criteria: Invitae Variant Classification Sherloc (09022015). Collection method: clinical testing. Allele origin: germline.
Comment: This variant is an in-frame deletion of the genomic region encompassing exons 2-12 of the MYBPC3 gene. It preserves the integrity of the reading frame. This variant has not been reported in the literature in individuals with MYBPC3-related disease. Experimental studies and prediction algorithms are not available or were not evaluated, and the functional significance of this variant is currently unknown. In summary, the available evidence is currently insufficient to determine the role of this variant in disease. Therefore, it has been classified as a Variant of Uncertain Significance.